The following is an entry in ClinVar:

NM_001040142.2(SCN2A):c.3052A>G (p.Lys1018Glu)

Gene: SCN2A (sodium voltage-gated channel alpha subunit 2; plus strand). Cytogenetic location: 2q24.3.
Variant type: single nucleotide variant.
Coding change: c.3052A>G on transcript NM_001040142.2 (MANE Select); coding-DNA position 3052, A replaced by G.
Protein change: p.Lys1018Glu; replaces lysine 1018 with glutamic acid.
Molecular consequence: missense variant.
Genome position (GRCh38, 1-based): chr2:165,354,324, A>G. VCF-style: chr2-165354324-A-G. GRCh37 (hg19) VCF-style: chr2-166210834-A-G.
Other names: c.3052A>G, p.Lys1018Glu (NM_001040143.2, NM_001371246.1, NM_001371247.1 and 1 more transcripts); short protein forms K1018E.
Identifiers: ClinVar variation 2952646 (VCV002952646.3), dbSNP rs1431207673, ClinGen allele CA349019918.

ClinVar aggregate classification (germline): Uncertain significance (1 of 4 stars; one submission).

Conditions:
Seizures, benign familial infantile, 3 (BFIS3). Also called: Familial neonatal seizures; CONVULSIONS, BENIGN FAMILIAL INFANTILE, 3. Identifiers: Orphanet 140927, Orphanet 306, MedGen C1843140, MONDO:0011904, OMIM 607745.
Developmental and epileptic encephalopathy, 11 (DEE11). Also called: Early infantile epileptic encephalopathy 11. Identifiers: Orphanet 1934, MedGen C3150987, MONDO:0013388, OMIM 613721.

Allele frequency attached by ClinVar (database versions not stated): gnomAD exomes below 0.00001.
gnomAD v4.1: 1 of 1,614,142 alleles (0.000062%); highest among the groups gnomAD compares: South Asian, 0.0011%; no homozygotes.

Submission:

Labcorp Genetics (formerly Invitae), Labcorp
Classification: Uncertain significance for Seizures, benign familial infantile, 3; Developmental and epileptic encephalopathy, 11. Last evaluated: 2023-10-07. Review status: criteria provided, single submitter. Criteria: Invitae Variant Classification Sherloc (09022015). Collection method: clinical testing. Allele origin: germline.
Comment: This sequence change replaces lysine, which is basic and polar, with glutamic acid, which is acidic and polar, at codon 1018 of the SCN2A protein (p.Lys1018Glu). This variant is not present in population databases (gnomAD no frequency). This variant has not been reported in the literature in individuals affected with SCN2A-related conditions. Advanced modeling of protein sequence and biophysical properties (such as structural, functional, and spatial information, amino acid conservation, physicochemical variation, residue mobility, and thermodynamic stability) performed at Invitae indicates that this missense variant is expected to disrupt SCN2A protein function. In summary, the available evidence is currently insufficient to determine the role of this variant in disease. Therefore, it has been classified as a Variant of Uncertain Significance.